The following is an entry in ClinVar:

ClinVar aggregate classification (germline): Uncertain significance. Review status: criteria provided, multiple submitters, no conflicts (2 of 4 stars). 4 submissions from 4 submitters: Uncertain significance (4). Last evaluated 2025-12-03.

Conditions:
Inborn genetic diseases. Identifiers: MedGen C0950123, MeSH D030342.

Allele frequency attached by ClinVar (database versions not stated): TOPMed 0.00005; ESP Exome Variant Server 0.00008; gnomAD 0.00009; gnomAD exomes 0.00011; ExAC 0.00012.
gnomAD v4.1: 302 of 1,614,112 alleles (0.019%); highest among the groups gnomAD compares: Non-Finnish European, 0.025%; no homozygotes.

Submissions (4):

GeneDx
Classification: Uncertain significance. Last evaluated: 2025-12-03. Review status: criteria provided, single submitter. Criteria: GeneDx Variant Classification Process June 2021. Collection method: clinical testing. Allele origin: germline. Affected: yes.
Comment: Has not been previously published as pathogenic or benign to our knowledge; In silico analysis supports that this missense variant has a deleterious effect on protein structure/function

Ambry Genetics
Classification: Uncertain significance for Inborn genetic diseases. Last evaluated: 2025-08-30. Review status: criteria provided, single submitter. Criteria: Ambry Variant Classification Scheme 2023. Collection method: clinical testing. Allele origin: germline.

CeGaT Center for Human Genetics Tuebingen
Classification: Uncertain significance. Last evaluated: 2025-04-01. Review status: criteria provided, single submitter. Criteria: CeGaT Center For Human Genetics Tuebingen Variant Classification Criteria Version 2. Collection method: clinical testing. Allele origin: germline. Affected: yes. Observed: 1 variant allele.
Comment: DNAJC12: PM2

Labcorp Genetics (formerly Invitae), Labcorp
Classification: Uncertain significance. Last evaluated: 2022-07-30. Review status: criteria provided, single submitter. Criteria: Invitae Variant Classification Sherloc (09022015). Collection method: clinical testing. Allele origin: germline.
Comment: This sequence change replaces tyrosine, which is neutral and polar, with cysteine, which is neutral and slightly polar, at codon 75 of the DNAJC12 protein (p.Tyr75Cys). This variant is present in population databases (rs372922344, gnomAD 0.02%). This missense change has been observed in individual(s) with clinical features of hyperphenylalaninemia (Invitae). In at least one individual the data is consistent with being in trans (on the opposite chromosome) from a pathogenic variant. ClinVar contains an entry for this variant (Variation ID: 1305071). Algorithms developed to predict the effect of missense changes on protein structure and function are either unavailable or do not agree on the potential impact of this missense change (SIFT: "Deleterious"; PolyPhen-2: "Probably Damaging"; Align-GVGD: "Class C0"). In summary, the available evidence is currently insufficient to determine the role of this variant in disease. Therefore, it has been classified as a Variant of Uncertain Significance.

NM_021800.3(DNAJC12):c.224A>G (p.Tyr75Cys)

Gene: DNAJC12 (DnaJ heat shock protein family (Hsp40) member C12; minus strand). Cytogenetic location: 10q21.3.
Variant type: single nucleotide variant.
Coding change: c.224A>G on transcript NM_021800.3 (MANE Select); coding-DNA position 224, A replaced by G.
Protein change: p.Tyr75Cys; replaces tyrosine 75 with cysteine.
Molecular consequence: missense variant.
Genome position (GRCh38, 1-based): chr10:67,811,597, T>C on the plus strand (A>G on the coding strand, the complement: DNAJC12 is on the minus strand). VCF-style: chr10-67811597-T-C. GRCh37 (hg19) VCF-style: chr10-69571355-T-C.
Other names: c.224A>G, p.Tyr75Cys (NM_201262.2); short protein forms Y75C.
Identifiers: ClinVar variation 1305071 (VCV001305071.17), dbSNP rs372922344, ClinGen allele CA5520873.